The following is an entry in ClinVar:

ClinVar aggregate classification (germline): Uncertain significance (1 of 4 stars; one submission).

Allele frequency attached by ClinVar (database versions not stated): gnomAD exomes below 0.00001; TOPMed below 0.00001.
gnomAD v4.1: 4 of 1,555,416 alleles (0.00026%); highest among the groups gnomAD compares: South Asian, 0.0011%; no homozygotes.

Submission:

Ambry Genetics
Classification: Uncertain significance. Last evaluated: 2024-01-22. Review status: criteria provided, single submitter. Criteria: Ambry Variant Classification Scheme 2023. Collection method: clinical testing. Allele origin: germline.
Comment: The p.Y2387C variant (also known as c.7160A>G), located in coding exon 26 of the POLQ gene, results from an A to G substitution at nucleotide position 7160. The tyrosine at codon 2387 is replaced by cysteine, an amino acid with highly dissimilar properties. This amino acid position is conserved. In addition, this alteration is predicted to be deleterious by in silico analysis. Based on the available evidence, the clinical significance of this alteration remains unclear.

NM_199420.4(POLQ):c.7160A>G (p.Tyr2387Cys)

Gene: POLQ (DNA polymerase theta; minus strand). Cytogenetic location: 3q13.33.
Variant type: single nucleotide variant.
Coding change: c.7160A>G on transcript NM_199420.4 (MANE Select); coding-DNA position 7160, A replaced by G.
Protein change: p.Tyr2387Cys; replaces tyrosine 2387 with cysteine.
Molecular consequence: missense variant.
Genome position (GRCh38, 1-based): chr3:121,449,419, T>C on the plus strand (A>G on the coding strand, the complement: POLQ is on the minus strand). VCF-style: chr3-121449419-T-C. GRCh37 (hg19) VCF-style: chr3-121168266-T-C.
Other names: short protein forms Y2387C.
Identifiers: ClinVar variation 3230138 (VCV003230138.1), dbSNP rs2047655534, ClinGen allele CA354102628.